The following is an entry in ClinVar:

NM_001405760.1(OR52I2):c.480A>G (p.Ile160Met)

Gene: OR52I2 (olfactory receptor family 52 subfamily I member 2; plus strand). Cytogenetic location: 11p15.4.
Variant type: single nucleotide variant.
Coding change: c.480A>G on transcript NM_001405760.1 (MANE Select); coding-DNA position 480, A replaced by G.
Protein change: p.Ile160Met; replaces isoleucine 160 with methionine.
Molecular consequence: missense variant.
Genome position (GRCh38, 1-based): chr11:4,587,370, A>G. VCF-style: chr11-4587370-A-G. GRCh37 (hg19) VCF-style: chr11-4608600-A-G.
Other names: c.480A>G, p.Ile160Met (NM_001005170.4); short protein forms I160M.
Identifiers: ClinVar variation 2641533 (VCV002641533.24), dbSNP rs112521658, ClinGen allele CA5833423.

ClinVar aggregate classification (germline): Likely benign (1 of 4 stars; one submission).

Allele frequency attached by ClinVar (database versions not stated): gnomAD exomes 0.00008; ExAC 0.00010; gnomAD 0.00104; ESP Exome Variant Server 0.00115; 1000 Genomes Project 0.00819; 1000 Genomes Project 30x 0.00890.
gnomAD v4.1: 275 of 1,603,132 alleles (0.017%); highest among the groups gnomAD compares: African/African-American, 0.37%; 39 homozygotes.

Submission:

CeGaT Center for Human Genetics Tuebingen
Classification: Likely benign. Last evaluated: 2022-12-01. Review status: criteria provided, single submitter. Criteria: CeGaT Center For Human Genetics Tuebingen Variant Classification Criteria Version 2. Collection method: clinical testing. Allele origin: germline. Affected: yes. Observed: 1 variant allele.
Comment: OR52I2: BP4, BS2